The following is an entry in ClinVar:

NM_000540.3(RYR1):c.4901C>T (p.Thr1634Ile)

Gene: RYR1 (ryanodine receptor 1; plus strand). Cytogenetic location: 19q13.2.
Variant type: single nucleotide variant.
Coding change: c.4901C>T on transcript NM_000540.3 (MANE Select); coding-DNA position 4901, C replaced by T.
Protein change: p.Thr1634Ile; replaces threonine 1634 with isoleucine.
Molecular consequence: missense variant.
Genome position (GRCh38, 1-based): chr19:38,483,483, C>T. VCF-style: chr19-38483483-C-T. GRCh37 (hg19) VCF-style: chr19-38974123-C-T.
Other names: c.4901C>T, p.Thr1634Ile (NM_001042723.2); short protein forms T1634I.
Identifiers: ClinVar variation 4758094 (VCV004758094.1).

ClinVar aggregate classification (germline): Uncertain significance (1 of 4 stars; one submission).

Conditions:
Malignant hyperthermia, susceptibility to, 1 (MHS1). Also called: RYR1-Related Malignant Hyperthermia Susceptibility; Malignant hyperthermia suceptibility 1; Anesthesia related hyperthermia; Malignant hyperpyrexia; Fulminating hyperpyrexia; Pharmacogenic myopathy. Identifiers: Orphanet 423, MedGen C2930980, MONDO:0007783, OMIM 145600.

gnomAD v4.1: 2 of 1,559,180 alleles (0.00013%); highest among the groups gnomAD compares: Non-Finnish European, 0.00017%; no homozygotes.

Submission:

Color Diagnostics, LLC DBA Color Health
Classification: Uncertain significance for Malignant hyperthermia, susceptibility to, 1. Last evaluated: 2025-09-29. Review status: criteria provided, single submitter. Criteria: ACMG Guidelines, 2015. Collection method: clinical testing. Allele origin: germline.
Comment: This missense variant replaces threonine with isoleucine at codon 1634 of the RYR1 protein. Computational prediction suggests that this variant may not impact protein structure and function. To our knowledge, functional studies have not been reported for this variant. This variant has not been reported in individuals affected with RYR1-related disorders in the literature. This variant has been identified in 2/1406954 chromosomes in the general population by the Genome Aggregation Database (gnomAD). The available evidence is insufficient to determine the role of this variant in disease conclusively. Therefore, this variant is classified as a Variant of Uncertain Significance.